The following is an entry in ClinVar:

NM_001243279.3(ACSF3):c.854C>T (p.Pro285Leu)

Gene: ACSF3 (acyl-CoA synthetase family member 3; plus strand). Cytogenetic location: 16q24.3.
Variant type: single nucleotide variant.
Coding change: c.854C>T on transcript NM_001243279.3 (MANE Select); coding-DNA position 854, C replaced by T.
Protein change: p.Pro285Leu; replaces proline 285 with leucine.
Molecular consequence: missense variant. On other transcripts: non-coding transcript variant (3).
Genome position (GRCh38, 1-based): chr16:89,112,123, C>T. VCF-style: chr16-89112123-C-T. GRCh37 (hg19) VCF-style: chr16-89178531-C-T.
Other names: c.854C>T, p.Pro285Leu (NM_001127214.4, NM_174917.5); c.59C>T, p.Pro20Leu (NM_001284316.2); short protein forms P285L, P20L.
Identifiers: ClinVar variation 381877 (VCV000381877.51), dbSNP rs143793502, ClinGen allele CA8237864.

ClinVar aggregate classification (germline): Benign/Likely benign. Review status: criteria provided, multiple submitters, no conflicts (2 of 4 stars). 9 submissions from 9 submitters: Benign (5); Likely benign (1). 3 of the submissions do not count toward it. Last evaluated 2026-08-01.

Conditions:
Combined malonic and methylmalonic acidemia. Identifiers: Orphanet 289504, MedGen C3280314, MONDO:0013661, OMIM 614265.

Allele frequency attached by ClinVar (database versions not stated): 1000 Genomes Project 30x 0.00156; 1000 Genomes Project 0.00200; TOPMed 0.00653; ESP Exome Variant Server 0.00785; gnomAD 0.08749 and 0.09373.
gnomAD v4.1: 16,900 of 1,112,452 alleles (1.5%); highest among the groups gnomAD compares: Non-Finnish European, 1.5%; 142 homozygotes.

Submissions (9):

CeGaT Center for Human Genetics Tuebingen
Classification: Benign. Last evaluated: 2026-08-01. Review status: criteria provided, single submitter. Criteria: CeGaT Center For Human Genetics Tuebingen Variant Classification Criteria Version 2. Collection method: clinical testing. Allele origin: germline. Affected: yes. Observed: 8 variant alleles.
Comment: ACSF3: BP4, BS1, BS2

Labcorp Genetics (formerly Invitae), Labcorp
Classification: Benign for Combined malonic and methylmalonic acidemia. Last evaluated: 2026-02-02. Review status: criteria provided, single submitter. Criteria: Invitae Variant Classification Sherloc (09022015). Collection method: clinical testing. Allele origin: germline.

Mayo Clinic Laboratories, Mayo Clinic
Classification: Benign. Last evaluated: 2025-02-17. Review status: criteria provided, single submitter. Criteria: ACMG Guidelines, 2015. Collection method: clinical testing. Allele origin: germline. Observed: 3 variant alleles.
Comment: BA1, BP4

ARUP Laboratories, Molecular Genetics and Genomics, ARUP Laboratories
Classification: Benign for Combined malonic and methylmalonic acidemia. Last evaluated: 2022-03-07. Review status: criteria provided, single submitter. Criteria: ARUP Molecular Germline Variant Investigation Process 2021. Collection method: clinical testing. Allele origin: germline.

Women's Health and Genetics/Laboratory Corporation of America, LabCorp
Classification: Likely benign. Last evaluated: 2021-12-10. Review status: criteria provided, single submitter. Criteria: LabCorp Variant Classification Summary - May 2015. Collection method: clinical testing. Allele origin: germline.

GeneDx
Classification: Benign. Last evaluated: 2016-03-08. Review status: criteria provided, single submitter. Criteria: GeneDx Variant Classification (06012015). Collection method: clinical testing. Allele origin: germline. Affected: yes.
Comment: This variant is considered likely benign or benign based on one or more of the following criteria: it is a conservative change, it occurs at a poorly conserved position in the protein, it is predicted to be benign by multiple in silico algorithms, and/or has population frequency not consistent with disease.

Natera, Inc.
Classification: Benign for Combined malonic and methylmalonic aciduria. Last evaluated: 2020-06-02. Review status: no assertion criteria provided. Collection method: clinical testing. Allele origin: germline. Not counted in ClinVar's aggregate classification.

Diagnostic Laboratory, Department of Genetics, University Medical Center Groningen
Classification: Likely benign. Review status: no assertion criteria provided. Collection method: clinical testing. Allele origin: germline. Affected: yes. Study: VKGL Data-share Consensus. Not counted in ClinVar's aggregate classification.

Genome Diagnostics Laboratory, University Medical Center Utrecht
Classification: Benign. Review status: no assertion criteria provided. Collection method: clinical testing. Allele origin: germline. Affected: yes. Study: VKGL Data-share Consensus. Not counted in ClinVar's aggregate classification.

Literature cited by the submitters: PubMed 26827111 (cited by Mayo Clinic Laboratories, Mayo Clinic); PubMed 31462756 (cited by Mayo Clinic Laboratories, Mayo Clinic).